The following is an entry in ClinVar:

ClinVar aggregate classification (germline): Likely pathogenic (1 of 4 stars; one submission).

Conditions:
Hereditary nonpolyposis colorectal neoplasms. Identifiers: MedGen C0009405, MeSH D003123.

Submission:

Labcorp Genetics (formerly Invitae), Labcorp
Classification: Likely pathogenic for Hereditary nonpolyposis colorectal neoplasms. Last evaluated: 2022-10-08. Review status: criteria provided, single submitter. Criteria: Invitae Variant Classification Sherloc (09022015). Collection method: clinical testing. Allele origin: germline.
Comment: This variant results in a copy number gain of the genomic region encompassing exon(s) 2 of the PMS2 gene. While the exact position of this variant cannot be determined from the data, sub-genic copy number gains are generally in tandem (PMID: 25640679). This variant is predicted to be out-of-frame, and may result in an absent or disrupted protein product. Loss-of-function variants in PMS2 are known to be pathogenic (PMID: 21376568, 24362816). This variant has not been reported in the literature in individuals affected with PMS2-related conditions. In summary, the currently available evidence indicates that the variant is pathogenic, but additional data are needed to prove that conclusively. Therefore, this variant has been classified as Likely Pathogenic.

Literature cited by the submitters: PubMed 25640679; PubMed 21376568; PubMed 24362816.

NC_000007.13:g.(?_6045513)_(6045672_?)dup

Gene: PMS2 (PMS1 homolog 2, mismatch repair system component; minus strand). Cytogenetic location: 7p22.1.
Variant type: Duplication.
Identifiers: ClinVar variation 642646 (VCV000642646.5).